The following is an entry in ClinVar:

NM_001142864.4(PIEZO1):c.4915C>T (p.Gln1639Ter)

Gene: PIEZO1 (piezo type mechanosensitive ion channel component 1 (Er blood group); minus strand). Cytogenetic location: 16q24.3.
Variant type: single nucleotide variant.
Coding change: c.4915C>T on transcript NM_001142864.4 (MANE Select); coding-DNA position 4915, C replaced by T.
Protein change: p.Gln1639Ter; replaces glutamine 1639 with a stop codon.
Molecular consequence: nonsense.
Genome position (GRCh38, 1-based): chr16:88,722,258, G>A on the plus strand (C>T on the coding strand, the complement: PIEZO1 is on the minus strand). VCF-style: chr16-88722258-G-A. GRCh37 (hg19) VCF-style: chr16-88788666-G-A.
Other names: short protein forms Q1639*.
Identifiers: ClinVar variation 3600432 (VCV003600432.1).

ClinVar aggregate classification (germline): Likely pathogenic (1 of 4 stars; one submission).

Conditions:
Lymphatic malformation 6 (LMPHM6). Also called: GENERALIZED LYMPHATIC DYSPLASIA OF FOTIOU; Lymphedema, hereditary, III; PIEZO1-related generalized lymphatic dysplasia with non-immune hydrops fetalis. Identifiers: Orphanet 568062, MedGen C4225184, MONDO:0014797, OMIM 616843.

gnomAD v4.1: 1 of 1,548,328 alleles (0.000065%); highest among the groups gnomAD compares: Non-Finnish European, 0.000087%; no homozygotes.

Submission:

Clinical Genomics Laboratory, Washington University in St. Louis
Classification: Likely pathogenic for Lymphatic malformation 6. Last evaluated: 2024-08-27. Review status: criteria provided, single submitter. Criteria: ACMG Guidelines, 2015. Collection method: clinical testing. Allele origin: germline. Affected: yes.
Comment: The PIEZO1 c.4915C>T (p.Gln1639*) variant was identified at a near heterozygous allelic fraction of 49.7%, a frequency which may be consistent with germline origin. This variant, to our knowledge, has not been reported in the medical literature and is only observed on 1/1,548,328 alleles in the general population (gnomAD v.4.1.0), indicating it is not a common variant. The PIEZO1 c.4915C>T (p.Gln1639*) variant creates a premature termination codon, which is predicted to lead to nonsense mediated decay. Based on available information and the ACMG/AMP guidelines for variant interpretation (Richards S et al., PMID: 25741868), this variant is classified as likely pathogenic.